The following is an entry in ClinVar:

NC_000006.11:g.(102372595_102376289)_(102503456_102516221)dup

Gene: GRIK2 (glutamate ionotropic receptor kainate type subunit 2; plus strand). Cytogenetic location: 6q16.3.
Variant type: Duplication.
Identifiers: ClinVar variation 3769489 (VCV003769489.2).

ClinVar aggregate classification (germline): Uncertain significance (1 of 4 stars; one submission).

Submission:

Women's Health and Genetics/Laboratory Corporation of America, LabCorp
Classification: Uncertain significance. Last evaluated: 2025-01-21. Review status: criteria provided, single submitter. Criteria: LabCorp Variant Classification Summary - May 2015. Collection method: clinical testing. Allele origin: germline.
Comment: Variant summary: The variant involves the duplication of exons 14-16 in the GRIK2 gene. A presumed nomenclature of c.(1867+1_1868-1)_(2562+1_2563-1)dup has been designated for the purposes of this classification. It is assumed to be a tandem duplication in direct orientation (PMIDs: 25640679, 30054569). This Copy Number Variant (CNV) is expected to alter the reading frame and predicted to result in a truncation. The variant was absent in 21694 control chromosomes in the gnomAD database (Structural Variants v2.1 dataset). The available data on variant occurrences in the general population are insufficient to allow any conclusion about variant significance. To our knowledge, no occurrence of exon 14-16 duplication in individuals affected with intellectual developmental disorder, autosomal recessive 6 and no experimental evidence demonstrating its impact on protein function have been reported. No submitters have cited clinical-significance assessments for this variant to ClinVar. Based on the evidence outlined above, the variant was classified as uncertain significance.